The following is an entry in ClinVar:

NM_172107.4(KCNQ2):c.1313G>T (p.Ser438Ile)

Gene: KCNQ2 (potassium voltage-gated channel subfamily Q member 2; minus strand). Cytogenetic location: 20q13.33.
Variant type: single nucleotide variant.
Coding change: c.1313G>T on transcript NM_172107.4 (MANE Select); coding-DNA position 1313, G replaced by T.
Protein change: p.Ser438Ile; replaces serine 438 with isoleucine.
Molecular consequence: missense variant. On other transcripts: intron variant (1).
Genome position (GRCh38, 1-based): chr20:63,415,115, C>A on the plus strand (G>T on the coding strand, the complement: KCNQ2 is on the minus strand). VCF-style: chr20-63415115-C-A. GRCh37 (hg19) VCF-style: chr20-62046468-C-A.
Other names: c.1259G>T, p.Ser420Ile (NM_001382235.1, NM_001439003.1, NM_172106.3); c.1229G>T, p.Ser410Ile (NM_001439004.1, NM_004518.6); c.1248-25G>T (NM_172108.5); short protein forms S410I, S420I, S438I.
Identifiers: ClinVar variation 4703417 (VCV004703417.3).
Genomic context (GRCh38, chr20:63,415,115, plus strand): 5'-GGGGACCCCTTCCCCTTGGCAGCCACGCCTCGGGGGCTGGAGAAGACACGATCTTTCAAA[C>A]TGACCTTCTGGCTGCTCCCACGGGAACCGACAGACAGACAGAAAAACAGGGAGAGAAGTC-3'
Protein context (NP_742105.1, residues 428-448): CCPGRSSQKV[Ser438Ile]LKDRVFSSPR

ClinVar aggregate classification (germline): Uncertain significance. Review status: criteria provided, multiple submitters, no conflicts (2 of 4 stars). 2 submissions from 2 submitters: Uncertain significance (2). Last evaluated 2025-08-26.

Conditions:
Early-infantile DEE. Also called: Early infantile epileptic encephalopathy; Ohtahara syndrome; Early infantile epileptic encephalopathy with suppression bursts. Identifiers: Orphanet 1934, MedGen C0393706, MONDO:0800491.

gnomAD v4.1: 2 of 1,596,818 alleles (0.00013%); highest among the groups gnomAD compares: Admixed American, 0.0017%; no homozygotes.

Submissions (2):

Dasa
Classification: Uncertain significance. Last evaluated: 2025-08-26. Review status: criteria provided, single submitter. Criteria: DASA Assertion Criteria. Collection method: clinical testing. Allele origin: germline.
Comment: NM_172107.4(KCNQ2):c.1313G>T (p.Ser438Ile) is a missense variant that results in the substitution of serine with isoleucine. This variant is rare in population databases. Computational prediction algorithms are consistent with a deleterious effect. The currently available literature and clinical evidence are not sufficient to establish a definitive association between this variant and the reported condition. Therefore, this variant is classified as a variant of uncertain significance.

Labcorp Genetics (formerly Invitae), Labcorp
Classification: Uncertain significance for Early-infantile DEE. Last evaluated: 2025-04-17. Review status: criteria provided, single submitter. Criteria: Invitae Variant Classification Sherloc (09022015). Collection method: clinical testing. Allele origin: germline.
Comment: This sequence change replaces serine, which is neutral and polar, with isoleucine, which is neutral and non-polar, at codon 438 of the KCNQ2 protein (p.Ser438Ile). This variant is not present in population databases (gnomAD no frequency). This variant has not been reported in the literature in individuals affected with KCNQ2-related conditions. Invitae Evidence Modeling of protein sequence and biophysical properties (such as structural, functional, and spatial information, amino acid conservation, physicochemical variation, residue mobility, and thermodynamic stability) indicates that this missense variant is expected to disrupt KCNQ2 protein function with a positive predictive value of 95%. In summary, the available evidence is currently insufficient to determine the role of this variant in disease. Therefore, it has been classified as a Variant of Uncertain Significance.